The following is an entry in ClinVar:

NM_004397.6(DDX6):c.587T>C (p.Val196Ala)

Gene: DDX6 (DEAD-box helicase 6; minus strand). Cytogenetic location: 11q23.3.
Variant type: single nucleotide variant.
Coding change: c.587T>C on transcript NM_004397.6 (MANE Select); coding-DNA position 587, T replaced by C.
Protein change: p.Val196Ala; replaces valine 196 with alanine.
Molecular consequence: missense variant.
Genome position (GRCh38, 1-based): chr11:118,765,268, A>G on the plus strand (T>C on the coding strand, the complement: DDX6 is on the minus strand). VCF-style: chr11-118765268-A-G. GRCh37 (hg19) VCF-style: chr11-118635976-A-G.
Other names: c.587T>C, p.Val196Ala (NM_001257191.3); short protein forms V196A.
Identifiers: ClinVar variation 1699744 (VCV001699744.2), dbSNP rs2137461113, ClinGen allele CA382893198.

ClinVar aggregate classification (germline): Uncertain significance (1 of 4 stars; one submission).

Submission:

GeneDx
Classification: Uncertain significance. Last evaluated: 2022-01-28. Review status: criteria provided, single submitter. Criteria: GeneDx Variant Classification Process June 2021. Collection method: clinical testing. Allele origin: germline. Affected: yes.
Comment: Not observed at significant frequency in large population cohorts (gnomAD); In silico analysis supports that this missense variant has a deleterious effect on protein structure/function; Has not been previously published as pathogenic or benign to our knowledge